The following is an entry in ClinVar:

ClinVar aggregate classification (germline): Conflicting classifications of pathogenicity. Review status: criteria provided, conflicting classifications (1 of 4 stars). 5 submissions from 5 submitters: Uncertain significance (1); Likely benign (4). Last evaluated 2026-01-27.

Conditions:
Cardiovascular phenotype. Identifiers: MedGen CN230736.
Brugada syndrome 8 (BRGDA8). Identifiers: Orphanet 130, MedGen C2751083, MONDO:0013148, OMIM 613123.
Sick sinus syndrome 2, autosomal dominant (SSS2). Also called: SINUS BRADYCARDIA SYNDROME, FAMILIAL, AUTOSOMAL DOMINANT; SINUS NODE DISEASE, FAMILIAL, AUTOSOMAL DOMINANT; ATRIAL FIBRILLATION WITH BRADYARRHYTHMIA; SICK SINUS SYNDROME 2; SICK SINUS SYNDROME 2 WITH OR WITHOUT CARDIAC NONCOMPACTION AND/OR ASCENDING AORTA DILATION. Identifiers: Orphanet 166282, MedGen C1834144, MONDO:0008102, OMIM 163800.

Allele frequency attached by ClinVar (database versions not stated): gnomAD 0.00003.
gnomAD v4.1: 98 of 1,420,038 alleles (0.0069%); highest among the groups gnomAD compares: Non-Finnish European, 0.0088%; no homozygotes.

Submissions (5):

Labcorp Genetics (formerly Invitae), Labcorp
Classification: Likely benign for Brugada syndrome 8. Last evaluated: 2026-01-27. Review status: criteria provided, single submitter. Criteria: Invitae Variant Classification Sherloc (09022015). Collection method: clinical testing. Allele origin: germline.

Ambry Genetics
Classification: Likely benign for Cardiovascular phenotype. Last evaluated: 2022-01-05. Review status: criteria provided, single submitter. Criteria: Ambry Variant Classification Scheme 2023. Collection method: clinical testing. Allele origin: germline.

Blueprint Genetics
Classification: Likely benign. Last evaluated: 2021-07-15. Review status: criteria provided, single submitter. Criteria: ACMG Guidelines, 2015. Collection method: clinical testing. Allele origin: germline.

Illumina Laboratory Services, Illumina
Classification: Uncertain significance for Sick sinus syndrome 2, autosomal dominant. Last evaluated: 2018-01-15. Review status: criteria provided, single submitter. Criteria: ICSL Variant Classification Criteria 13 December 2019. Collection method: clinical testing. Allele origin: germline.

GeneDx
Classification: Likely benign. Last evaluated: 2017-08-21. Review status: criteria provided, single submitter. Criteria: GeneDx Variant Classification (06012015). Collection method: clinical testing. Allele origin: germline. Affected: yes.
Comment: This variant is considered likely benign or benign based on one or more of the following criteria: it is a conservative change, it occurs at a poorly conserved position in the protein, it is predicted to be benign by multiple in silico algorithms, and/or has population frequency not consistent with disease.

NM_005477.3(HCN4):c.249C>T (p.Gly83=)

Gene: HCN4 (hyperpolarization activated cyclic nucleotide gated potassium channel 4; minus strand). Cytogenetic location: 15q24.1.
Variant type: single nucleotide variant.
Coding change: c.249C>T on transcript NM_005477.3 (MANE Select); coding-DNA position 249, C replaced by T.
Protein change: p.Gly83=; no amino-acid change (glycine 83 retained).
Molecular consequence: synonymous variant.
Genome position (GRCh38, 1-based): chr15:73,368,022, G>A on the plus strand (C>T on the coding strand, the complement: HCN4 is on the minus strand). VCF-style: chr15-73368022-G-A. GRCh37 (hg19) VCF-style: chr15-73660363-G-A.
Identifiers: ClinVar variation 511427 (VCV000511427.14), dbSNP rs1183278712, ClinGen allele CA491479419.